The following is an entry in ClinVar:

NM_144672.4(OTOA):c.1037C>A (p.Ala346Asp)

Gene: OTOA (otoancorin). Cytogenetic location: 16p12.2.
Variant type: single nucleotide variant.
Coding change: c.1037C>A on transcript NM_144672.4 (MANE Select); coding-DNA position 1037, C replaced by A.
Protein change: p.Ala346Asp; replaces alanine 346 with aspartic acid.
Molecular consequence: missense variant.
Genome position (GRCh38, 1-based): chr16:21,705,225, C>A. VCF-style: chr16-21705225-C-A. GRCh37 (hg19) VCF-style: chr16-21716546-C-A.
Other names: c.800C>A, p.Ala267Asp (NM_001161683.2); c.65C>A, p.Ala22Asp (NM_170664.3); short protein forms A22D, A267D, A346D.
Identifiers: ClinVar variation 3252199 (VCV003252199.1), dbSNP rs1169074010.

ClinVar aggregate classification (germline): Uncertain significance (1 of 4 stars; one submission).

Allele frequency attached by ClinVar (database versions not stated): gnomAD exomes below 0.00001.
gnomAD v4.1: 3 of 1,614,146 alleles (0.00019%); highest among the groups gnomAD compares: Non-Finnish European, 0.00025%; no homozygotes.

Submission:

GeneDx
Classification: Uncertain significance. Last evaluated: 2023-06-16. Review status: criteria provided, single submitter. Criteria: GeneDx Variant Classification Process June 2021. Collection method: clinical testing. Allele origin: germline. Affected: yes.
Comment: Not observed at significant frequency in large population cohorts (gnomAD); In silico analysis supports that this missense variant has a deleterious effect on protein structure/function; Has not been previously published as pathogenic or benign to our knowledge